The following is an entry in ClinVar:

NM_000286.3(PEX12):c.1003A>C (p.Ser335Arg)

Gene: PEX12 (peroxisomal biogenesis factor 12; minus strand). Cytogenetic location: 17q12.
Variant type: single nucleotide variant.
Coding change: c.1003A>C on transcript NM_000286.3 (MANE Select); coding-DNA position 1003, A replaced by C.
Protein change: p.Ser335Arg; replaces serine 335 with arginine.
Molecular consequence: missense variant.
Genome position (GRCh38, 1-based): chr17:35,575,859, T>G on the plus strand (A>C on the coding strand, the complement: PEX12 is on the minus strand). VCF-style: chr17-35575859-T-G. GRCh37 (hg19) VCF-style: chr17-33902878-T-G.
Other names: short protein forms S335R.
Identifiers: ClinVar variation 2634688 (VCV002634688.1), dbSNP rs1321937282, ClinGen allele CA399136919.

ClinVar aggregate classification (germline): Uncertain significance (1 of 4 stars; one submission).

Conditions:
PEX12-related disorder. Also called: PEX12-related disorders; PEX12-related condition.

Submission:

PreventionGenetics, part of Exact Sciences
Classification: Uncertain significance for PEX12-related condition. Last evaluated: 2022-09-08. Review status: criteria provided, single submitter. Criteria: ACMG Guidelines, 2015. Collection method: clinical testing. Allele origin: germline.
Comment: The PEX12 c.1003A>C variant is predicted to result in the amino acid substitution p.Ser335Arg. To our knowledge, this variant has not been reported in the literature. This variant is reported in 0.00088% of alleles in individuals of European (Non-Finnish) descent in gnomAD. At this time, the clinical significance of this variant is uncertain due to the absence of conclusive functional and genetic evidence.